The following is an entry in ClinVar:

ClinVar aggregate classification (germline): Uncertain significance (1 of 4 stars; one submission).

Conditions:
Primary familial hypertrophic cardiomyopathy (HCM). Identifiers: Orphanet 99739, MedGen C0949658, MeSH D024741, MONDO:0024573. Inheritance: Various modes of inheritance.
Hypertrophic cardiomyopathy 25 (CMH25). Also called: CARDIOMYOPATHY, FAMILIAL HYPERTROPHIC, 25. Identifiers: MedGen C4225408, MONDO:0011843, OMIM 607487.

Submission:

Labcorp Genetics (formerly Invitae), Labcorp
Classification: Uncertain significance for Hypertrophic cardiomyopathy 25; Primary familial hypertrophic cardiomyopathy. Last evaluated: 2019-02-05. Review status: criteria provided, single submitter. Criteria: Invitae Variant Classification Sherloc (09022015). Collection method: clinical testing. Allele origin: germline.
Comment: This sequence change replaces cysteine with serine at codon 8 of the TCAP protein (p.Cys8Ser). The cysteine residue is highly conserved and there is a moderate physicochemical difference between cysteine and serine. This variant is not present in population databases (ExAC no frequency). This variant has not been reported in the literature in individuals with TCAP-related conditions. Algorithms developed to predict the effect of missense changes on protein structure and function (SIFT, PolyPhen-2, Align-GVGD) all suggest that this variant is likely to be disruptive, but these predictions have not been confirmed by published functional studies and their clinical significance is uncertain. In summary, the available evidence is currently insufficient to determine the role of this variant in disease. Therefore, it has been classified as a Variant of Uncertain Significance.

NM_003673.4(TCAP):c.22T>A (p.Cys8Ser)

Gene: TCAP (titin-cap; plus strand). Cytogenetic location: 17q12.
Variant type: single nucleotide variant.
Coding change: c.22T>A on transcript NM_003673.4 (MANE Select); coding-DNA position 22, T replaced by A.
Protein change: p.Cys8Ser; replaces cysteine 8 with serine.
Molecular consequence: missense variant.
Genome position (GRCh38, 1-based): chr17:39,665,381, T>A. VCF-style: chr17-39665381-T-A. GRCh37 (hg19) VCF-style: chr17-37821634-T-A.
Other names: short protein forms C8S.
Identifiers: ClinVar variation 650939 (VCV000650939.11), dbSNP rs1597805144, ClinGen allele CA399302740.